The following is an entry in ClinVar:

ClinVar aggregate classification (germline): Conflicting classifications of pathogenicity. Review status: criteria provided, conflicting classifications (1 of 4 stars). 4 submissions from 4 submitters: Uncertain significance (2); Benign (1); Likely benign (1). Last evaluated 2026-07-28.

Conditions:
Neurofibromatosis, type 1 (NF1). Also called: VON RECKLINGHAUSEN DISEASE; Neurofibromatosis, type I; Peripheral type neurofibromatosis; NEUROFIBROMATOSIS, TYPE I, SOMATIC. Identifiers: Orphanet 636, MedGen C0027831, MONDO:0018975, OMIM 162200. Disease mechanism: loss of function.
Hereditary cancer-predisposing syndrome. Also called: Neoplastic Syndromes, Hereditary; Hereditary neoplastic syndrome; Hereditary Cancer Syndrome; Tumor predisposition. Identifiers: Orphanet 140162, MedGen C0027672, MeSH D009386, MONDO:0015356.
Cardiovascular phenotype. Identifiers: MedGen CN230736.

Allele frequency attached by ClinVar (database versions not stated): gnomAD exomes below 0.00001; ExAC 0.00001; gnomAD 0.00001.
gnomAD v4.1: 2 of 1,613,096 alleles (0.00012%); highest among the groups gnomAD compares: Non-Finnish European, 0.00017%; no homozygotes.

Submissions (4):

Ambry Genetics
Classification: Likely benign for Cardiovascular phenotype; Hereditary cancer-predisposing syndrome. Last evaluated: 2026-07-28. Review status: criteria provided, single submitter. Criteria: Ambry Variant Classification Scheme 2023. Collection method: clinical testing. Allele origin: germline.

Labcorp Genetics (formerly Invitae), Labcorp
Classification: Benign for Neurofibromatosis, type 1. Last evaluated: 2025-07-22. Review status: criteria provided, single submitter. Criteria: Invitae Variant Classification Sherloc (09022015). Collection method: clinical testing. Allele origin: germline.

Genome-Nilou Lab
Classification: Uncertain significance for Neurofibromatosis, type 1. Last evaluated: 2022-03-15. Review status: criteria provided, single submitter. Criteria: ACMG Guidelines, 2015. Collection method: clinical testing. Allele origin: germline. Affected: no.

GeneDx
Classification: Uncertain significance. Last evaluated: 2019-10-08. Review status: criteria provided, single submitter. Criteria: GeneDx Variant Classification Process June 2021. Collection method: clinical testing. Allele origin: germline. Affected: yes.
Comment: Not observed in large population cohorts (Lek 2016); In silico analysis, which includes protein predictors and evolutionary conservation, supports that this variant does not alter protein structure/function; Observed in individuals with breast cancer (Momozawa 2018); This variant is associated with the following publications: (PMID: 30287823)

Literature cited by the submitters: PubMed 30287823 (cited by Ambry Genetics).

NM_001042492.3(NF1):c.7253C>T (p.Thr2418Ile)

Gene: NF1 (neurofibromin 1; plus strand). Cytogenetic location: 17q11.2.
Variant type: single nucleotide variant.
Coding change: c.7253C>T on transcript NM_001042492.3 (MANE Select); coding-DNA position 7253, C replaced by T.
Protein change: p.Thr2418Ile; replaces threonine 2418 with isoleucine.
Molecular consequence: missense variant.
Genome position (GRCh38, 1-based): chr17:31,349,183, C>T. VCF-style: chr17-31349183-C-T. GRCh37 (hg19) VCF-style: chr17-29676201-C-T.
Other names: c.7190C>T, p.Thr2397Ile (NM_000267.4); short protein forms T2397I, T2418I.
Identifiers: ClinVar variation 457829 (VCV000457829.17), dbSNP rs764022114, ClinGen allele CA8487532.
Genomic context (GRCh38, chr17:31,349,183, plus strand): 5'-ACAGGCATCCTTCACCTGCTATTGTTGCAAGAACAGTCAGAATTTTACATACACTACTAA[C>T]TCTGGTTAACAAACACAGAAATTGTGACAAATTTGAAGTGAATACACAGAGCGTGGCCTA-3'
Protein context (NP_001035957.1, residues 2408-2428): RTVRILHTLL[Thr2418Ile]LVNKHRNCDK